The following is an entry in ClinVar:

NM_000229.2(LCAT):c.837_838del (p.Arg280fs)

Gene: LCAT (lecithin-cholesterol acyltransferase; minus strand). Cytogenetic location: 16q22.1.
Variant type: Microsatellite.
Coding change: c.837_838del on transcript NM_000229.2 (MANE Select); coding-DNA positions 837 to 838, 2 bases deleted (TC; older notation c.837_838delTC).
Protein change: p.Arg280fs; shifts the reading frame from arginine 280.
Molecular consequence: frameshift variant.
Genome position (GRCh38, 1-based): chr16:67,940,389-67,940,390, GA deleted on the plus strand (TC on the coding strand, the reverse complement: LCAT is on the minus strand); deleting any 2 consecutive bases within chr16:67,940,389-67,940,393 gives the same sequence; the c. name uses the placement nearest the transcript's 3' end. VCF-style (leftmost placement, unchanged base first): chr16-67940388-CGA-C. GRCh37 (hg19) VCF-style: chr16-67974291-CGA-C.
Other names: short protein forms R280fs.
Identifiers: ClinVar variation 1454135 (VCV001454135.7), dbSNP rs2151319998, ClinGen allele CA2580612821.

ClinVar aggregate classification (germline): Pathogenic/Likely pathogenic. Review status: criteria provided, multiple submitters, no conflicts (2 of 4 stars). 2 submissions from 2 submitters: Pathogenic (1); Likely pathogenic (1). Last evaluated 2024-05-14.

Conditions:
Fish-eye disease (FED). Also called: ALPHA-LCAT DEFICIENCY; DYSLIPOPROTEINEMIC CORNEAL DYSTROPHY; LCATA DEFICIENCY. Identifiers: Orphanet 650, Orphanet 79292, MedGen C0342895, MONDO:0007620, OMIM 136120.
Norum disease. Also called: Familial lecithin cholesterol acyltransferase deficiency. Identifiers: Orphanet 79293, MedGen C0023195, MONDO:0009515, OMIM 245900.

Submissions (2):

Fulgent Genetics
Classification: Likely pathogenic for Fish-eye disease; Norum disease. Last evaluated: 2024-05-14. Review status: criteria provided, single submitter. Criteria: ACMG Guidelines, 2015. Collection method: clinical testing. Allele origin: germline.

Labcorp Genetics (formerly Invitae), Labcorp
Classification: Pathogenic. Last evaluated: 2021-12-10. Review status: criteria provided, single submitter. Criteria: Invitae Variant Classification Sherloc (09022015). Collection method: clinical testing. Allele origin: germline.
Comment: This variant is not present in population databases (gnomAD no frequency). This premature translational stop signal has been observed in individual(s) with lecithin-cholesterol acyltransferase deficiency (PMID: 11369005). This variant is also known as Pro260>Stop. This variant disrupts a region of the LCAT protein in which other variant(s) (p.Arg423Cys) have been determined to be pathogenic (PMID: 7749857). This suggests that this is a clinically significant region of the protein, and that variants that disrupt it are likely to be disease-causing. For these reasons, this variant has been classified as Pathogenic. This sequence change creates a premature translational stop signal (p.Arg280Hisfs*5) in the LCAT gene. While this is not anticipated to result in nonsense mediated decay, it is expected to disrupt the last 161 amino acid(s) of the LCAT protein.

Literature cited by the submitters: PubMed 11369005 (cited by Labcorp Genetics (formerly Invitae), Labcorp); PubMed 7749857 (cited by Labcorp Genetics (formerly Invitae), Labcorp).